The following is an entry in ClinVar:

NM_032447.5(FBN3):c.8357G>A (p.Gly2786Asp)

Gene: FBN3 (fibrillin 3; minus strand). Cytogenetic location: 19p13.2.
Variant type: single nucleotide variant.
Coding change: c.8357G>A on transcript NM_032447.5 (MANE Select); coding-DNA position 8357, G replaced by A.
Protein change: p.Gly2786Asp; replaces glycine 2786 with aspartic acid.
Molecular consequence: missense variant.
Genome position (GRCh38, 1-based): chr19:8,065,992, C>T on the plus strand (G>A on the coding strand, the complement: FBN3 is on the minus strand). VCF-style: chr19-8065992-C-T. GRCh37 (hg19) VCF-style: chr19-8130876-C-T.
Other names: c.8357G>A, p.Gly2786Asp (NM_001321431.2); short protein forms G2786D.
Identifiers: ClinVar variation 816791 (VCV000816791.4), dbSNP rs760179129, ClinGen allele CA9150553.
Genomic context (GRCh38, chr19:8,065,992, plus strand): 5'-AGCTGCACCTTCAGCCTCAAGGCCTGGCCCCATGGCCCTGGCTGCCCCTCTGGCTGGACA[C>T]CCCAGGGTCCTGCCATGTGGCTCACCACCTCCAGCCGGTAGGTTCCAGGCCCCGGCCGCC-3'
Protein context (NP_115823.3, residues 2776-2796): EVVSHMAGPW[Gly2786Asp]VQPEGQPGPW

ClinVar aggregate classification (germline): Uncertain significance. Review status: criteria provided, single submitter (1 of 4 stars). 2 submissions from 2 submitters: Uncertain significance (1). 1 of the submissions does not count toward it. Last evaluated 2025-12-13.

Conditions:
Flexion contracture. Also called: Flexion deformity; Contractures; Contracture. Identifiers: MedGen C0333068, HP:0001371.

Allele frequency attached by ClinVar (database versions not stated): gnomAD 0.00001 and 0.00003; TOPMed 0.00004; ExAC 0.00002; gnomAD exomes 0.00002.
gnomAD v4.1: 42 of 1,612,952 alleles (0.0026%); highest among the groups gnomAD compares: Middle Eastern, 0.017%; no homozygotes.

Submissions (2):

Labcorp Genetics (formerly Invitae), Labcorp
Classification: Uncertain significance. Last evaluated: 2025-12-13. Review status: criteria provided, single submitter. Criteria: Invitae Variant Classification Sherloc (09022015). Collection method: clinical testing. Allele origin: germline.
Comment: This sequence change replaces glycine, which is neutral and non-polar, with aspartic acid, which is acidic and polar, at codon 2786 of the FBN3 protein (p.Gly2786Asp). This variant is present in population databases (rs760179129, gnomAD 0.01%). This missense change has been observed in individual(s) with joint contractures (PMID: 26752647). ClinVar contains an entry for this variant (Variation ID: 816791). Invitae Evidence Modeling of protein sequence and biophysical properties (such as structural, functional, and spatial information, amino acid conservation, physicochemical variation, residue mobility, and thermodynamic stability) indicates that this missense variant is not expected to disrupt FBN3 protein function with a negative predictive value of 80%. In summary, the available evidence is currently insufficient to determine the role of this variant in disease. Therefore, it has been classified as a Variant of Uncertain Significance.

Lupski Lab, Baylor-Hopkins CMG, Baylor College of Medicine
Classification: Uncertain significance for Flexion contracture. Review status: no assertion criteria provided. Collection method: research. Allele origin: inherited. Inheritance: Autosomal recessive inheritance. Affected: yes. Observed: 2 variant alleles, 1 heterozygote, 1 compound heterozygote. Not counted in ClinVar's aggregate classification.

Literature cited by the submitters: PubMed 26752647 (cited by Labcorp Genetics (formerly Invitae), Labcorp and Lupski Lab, Baylor-Hopkins CMG, Baylor College of Medicine).